The following is an entry in ClinVar:

NM_000135.4(FANCA):c.146G>A (p.Arg49His)

Gene: FANCA (FA complementation group A; minus strand). Cytogenetic location: 16q24.3.
Variant type: single nucleotide variant.
Coding change: c.146G>A on transcript NM_000135.4 (MANE Select); coding-DNA position 146, G replaced by A.
Protein change: p.Arg49His; replaces arginine 49 with histidine.
Molecular consequence: missense variant.
Genome position (GRCh38, 1-based): chr16:89,815,920, C>T on the plus strand (G>A on the coding strand, the complement: FANCA is on the minus strand). VCF-style: chr16-89815920-C-T. GRCh37 (hg19) VCF-style: chr16-89882328-C-T.
Other names: c.146G>A, p.Arg49His (NM_001018112.3, NM_001286167.3, NM_001351830.2); short protein forms R49H.
Identifiers: ClinVar variation 2047287 (VCV002047287.5), dbSNP rs766611067, ClinGen allele CA8253159.
Genomic context (GRCh38, chr16:89,815,920, plus strand): 5'-CACCAGCTTCCTCTTACCTCAAGCAAAAGGGCATTCAGGTCCTGATGGCTTCGCAGGAGG[C>T]GCACAGCTGATTCCTTTAATTTCTGTGCCCTTTCAGGATTATATTTTTCCCTCTTGACCC-3'
Protein context (NP_000126.2, residues 39-59): RAQKLKESAV[Arg49His]LLRSHQDLNA

ClinVar aggregate classification (germline): Uncertain significance. Review status: criteria provided, multiple submitters, no conflicts (2 of 4 stars). 2 submissions from 2 submitters: Uncertain significance (2). Last evaluated 2025-12-09.

Conditions:
Fanconi anemia (FA). Also called: Fanconi's anemia. Identifiers: Orphanet 84, MedGen C0015625, MeSH D005199, MONDO:0019391.
Inborn genetic diseases. Identifiers: MedGen C0950123, MeSH D030342.

Allele frequency attached by ClinVar (database versions not stated): TOPMed 0.00001; gnomAD exomes below 0.00001; ExAC 0.00001.
gnomAD v4.1: 2 of 1,614,126 alleles (0.00012%); highest among the groups gnomAD compares: Admixed American, 0.0017%; no homozygotes.

Submissions (2):

Ambry Genetics
Classification: Uncertain significance for Inborn genetic diseases. Last evaluated: 2025-12-09. Review status: criteria provided, single submitter. Criteria: Ambry Variant Classification Scheme 2023. Collection method: clinical testing. Allele origin: germline.
Comment: The p.R49H variant (also known as c.146G>A), located in coding exon 2 of the FANCA gene, results from a G to A substitution at nucleotide position 146. The arginine at codon 49 is replaced by histidine, an amino acid with highly similar properties. This amino acid position is conserved. In addition, this alteration is predicted to be tolerated by in silico analysis. Based on the available evidence, the clinical significance of this variant remains unclear.

Labcorp Genetics (formerly Invitae), Labcorp
Classification: Uncertain significance for Fanconi anemia. Last evaluated: 2022-10-05. Review status: criteria provided, single submitter. Criteria: Invitae Variant Classification Sherloc (09022015). Collection method: clinical testing. Allele origin: germline.
Comment: This sequence change replaces arginine, which is basic and polar, with histidine, which is basic and polar, at codon 49 of the FANCA protein (p.Arg49His). This variant is present in population databases (rs766611067, gnomAD 0.003%). This variant has not been reported in the literature in individuals affected with FANCA-related conditions. Advanced modeling of protein sequence and biophysical properties (such as structural, functional, and spatial information, amino acid conservation, physicochemical variation, residue mobility, and thermodynamic stability) performed at Invitae indicates that this missense variant is not expected to disrupt FANCA protein function. In summary, the available evidence is currently insufficient to determine the role of this variant in disease. Therefore, it has been classified as a Variant of Uncertain Significance.